The following is an entry in ClinVar:

ClinVar aggregate classification (germline): Uncertain significance (1 of 4 stars; one submission).

Submission:

Labcorp Genetics (formerly Invitae), Labcorp
Classification: Uncertain significance. Last evaluated: 2022-12-06. Review status: criteria provided, single submitter. Criteria: Invitae Variant Classification Sherloc (09022015). Collection method: clinical testing. Allele origin: germline.
Comment: In summary, the available evidence is currently insufficient to determine the role of this variant in disease. Therefore, it has been classified as a Variant of Uncertain Significance. Experimental studies and prediction algorithms are not available or were not evaluated, and the functional significance of this variant is currently unknown. This variant has not been reported in the literature in individuals affected with NFKB1-related conditions. This variant is not present in population databases (gnomAD no frequency). This variant, c.1148_1153del, results in the deletion of 2 amino acid(s) of the NFKB1 protein (p.Ala383_Gly384del), but otherwise preserves the integrity of the reading frame.

NM_003998.4(NFKB1):c.1142CTGGAG[1] (p.381AG[1])

Gene: NFKB1 (nuclear factor kappa B subunit 1; plus strand). Cytogenetic location: 4q24.
Variant type: Microsatellite.
Coding change: c.1142CTGGAG[1] on transcript NM_003998.4 (MANE Select); one copy of the 6-base unit CTGGAG starting at c.1142; the reference has two copies in a row; one copy, 6 bases deleted.
Protein change: p.381AG[1].
Molecular consequence: inframe deletion.
Genome position (GRCh38, 1-based): chr4:102,593,506-102,593,511, CTGGAG deleted; deleting any 6 consecutive bases within chr4:102,593,499-102,593,511 gives the same sequence; the position shown is the placement nearest the transcript's 3' end. VCF-style (leftmost placement, unchanged base first): chr4-102593498-TGCTGGA-T. GRCh37 (hg19) VCF-style: chr4-103514655-TGCTGGA-T.
Other names: c.1139CTGGAG[1], p.380AG[1] (NM_001165412.2, NM_001319226.2, NM_001382627.1); c.1142CTGGAG[1], p.381AG[1] (NM_001382625.1, NM_001382626.1); c.1100CTGGAG[1], p.367AG[1] (NM_001382628.1).
Identifiers: ClinVar variation 2029172 (VCV002029172.4), dbSNP rs2476487211, ClinGen allele CA2580616131.